The following is an entry in ClinVar:

NM_001364905.1(LRBA):c.7429C>T (p.Pro2477Ser)

Gene: LRBA (LPS responsive beige-like anchor protein; minus strand). Cytogenetic location: 4q31.3.
Variant type: single nucleotide variant.
Coding change: c.7429C>T on transcript NM_001364905.1 (MANE Select); coding-DNA position 7429, C replaced by T.
Protein change: p.Pro2477Ser; replaces proline 2477 with serine.
Molecular consequence: missense variant.
Genome position (GRCh38, 1-based): chr4:150,325,832, G>A on the plus strand (C>T on the coding strand, the complement: LRBA is on the minus strand). VCF-style: chr4-150325832-G-A. GRCh37 (hg19) VCF-style: chr4-151246984-G-A.
Other names: c.7429C>T, p.Pro2477Ser (NM_001199282.3, NM_001367550.1); c.7462C>T, p.Pro2488Ser (NM_006726.5); short protein forms P2488S, P2477S.
Identifiers: ClinVar variation 1918283 (VCV001918283.3), dbSNP rs776250274, ClinGen allele CA3101650.

ClinVar aggregate classification (germline): Uncertain significance. Review status: criteria provided, multiple submitters, no conflicts (2 of 4 stars). 2 submissions from 2 submitters: Uncertain significance (2). Last evaluated 2024-03-04.

Conditions:
Combined immunodeficiency due to LRBA deficiency. Also called: Common variable immunodeficiency 8, with autoimmunity. Identifiers: Orphanet 445018, MedGen C3553512, MONDO:0013863, OMIM 614700.
Inborn genetic diseases. Identifiers: MedGen C0950123, MeSH D030342.

Allele frequency attached by ClinVar (database versions not stated): ExAC 0.00001; gnomAD 0.00001; TOPMed 0.00001; gnomAD exomes 0.00002.
gnomAD v4.1: 14 of 1,613,390 alleles (0.00087%); highest among the groups gnomAD compares: Admixed American, 0.022%; no homozygotes.

Submissions (2):

Ambry Genetics
Classification: Uncertain significance for Inborn genetic diseases. Last evaluated: 2024-03-04. Review status: criteria provided, single submitter. Criteria: Ambry Variant Classification Scheme 2023. Collection method: clinical testing. Allele origin: germline.

Labcorp Genetics (formerly Invitae), Labcorp
Classification: Uncertain significance for Combined immunodeficiency due to LRBA deficiency. Last evaluated: 2022-07-05. Review status: criteria provided, single submitter. Criteria: Invitae Variant Classification Sherloc (09022015). Collection method: clinical testing. Allele origin: germline.
Comment: This sequence change replaces proline, which is neutral and non-polar, with serine, which is neutral and polar, at codon 2488 of the LRBA protein (p.Pro2488Ser). This variant is present in population databases (rs776250274, gnomAD 0.02%). This variant has not been reported in the literature in individuals affected with LRBA-related conditions. Algorithms developed to predict the effect of missense changes on protein structure and function are either unavailable or do not agree on the potential impact of this missense change (SIFT: "Deleterious"; PolyPhen-2: "Probably Damaging"; Align-GVGD: "Class C0"). In summary, the available evidence is currently insufficient to determine the role of this variant in disease. Therefore, it has been classified as a Variant of Uncertain Significance.